The following is an entry in ClinVar:

ClinVar aggregate classification (germline): Benign (1 of 4 stars; one submission).

gnomAD v4.1: 3,407 of 1,558,314 alleles (0.22%); highest among the groups gnomAD compares: African/African-American, 1%; 19 homozygotes.

Submission:

CeGaT Center for Human Genetics Tuebingen
Classification: Benign. Last evaluated: 2024-09-01. Review status: criteria provided, single submitter. Criteria: CeGaT Center For Human Genetics Tuebingen Variant Classification Criteria Version 2. Collection method: clinical testing. Allele origin: germline. Affected: yes. Observed: 1 variant allele.
Comment: CYP2W1: BP4, BP7, BS1, BS2

NM_017781.3(CYP2W1):c.306C>T (p.Ile102=)

Genes: CHLSN (cholesin; minus strand), CYP2W1 (cytochrome P450 family 2 subfamily W member 1; plus strand). Cytogenetic location: 7p22.3.
Variant type: single nucleotide variant.
Coding change: c.306C>T on transcript NM_017781.3 (MANE Select); coding-DNA position 306, C replaced by T.
Protein change: p.Ile102=; no amino-acid change (isoleucine 102 retained).
Molecular consequence: synonymous variant. On other transcripts: intron variant (3).
Genome position (GRCh38, 1-based): chr7:984,543, C>T. VCF-style: chr7-984543-C-T. GRCh37 (hg19) VCF-style: chr7-1024179-C-T.
Other names: c.565-5482G>A (NM_001424326.1, NM_001424325.1); c.178-4490G>A (NM_001424327.1).
Identifiers: ClinVar variation 3388135 (VCV003388135.14).
Genomic context (GRCh38, chr7:984,543, plus strand): 5'-CGAGGCGGTCAAAGAGGCGCTGGCGGGCCCCGGGCAGGAGCTGGCCGACCGGCCTCCCAT[C>T]GCCATCTTCCAGCTCATCCAGCGAGGTGGAGGTCGGTGTGTGGCCGGCGCTACGGGGCCT-3'
Protein context (NP_060251.2, residues 92-112): PGQELADRPP[Ile102=]AIFQLIQRGG